The following is an entry in ClinVar:

ClinVar aggregate classification (germline): Conflicting classifications of pathogenicity. Review status: criteria provided, conflicting classifications (1 of 4 stars). 6 submissions from 6 submitters: Uncertain significance (1); Benign (1); Likely benign (3). 1 of the submissions does not count toward it. Last evaluated 2026-01-18.

Conditions:
Usher syndrome type 2A. Also called: RETINAL DISEASE IN USHER SYNDROME TYPE IIA, MODIFIER OF; USHER SYNDROME, TYPE IIA. Identifiers: Orphanet 231178, Orphanet 886, MedGen C1848634, MONDO:0010169, OMIM 276901.

Allele frequency attached by ClinVar (database versions not stated): ExAC 0.00008; TOPMed 0.00017; 1000 Genomes Project 0.00020; gnomAD 0.00020; ESP Exome Variant Server 0.00023; 1000 Genomes Project 30x 0.00047.
gnomAD v4.1: 239 of 1,613,846 alleles (0.015%); highest among the groups gnomAD compares: African/African-American, 0.027%; no homozygotes.

Submissions (6):

Labcorp Genetics (formerly Invitae), Labcorp
Classification: Likely benign. Last evaluated: 2026-01-18. Review status: criteria provided, single submitter. Criteria: Invitae Variant Classification Sherloc (09022015). Collection method: clinical testing. Allele origin: germline.

Blueprint Genetics
Classification: Likely benign. Last evaluated: 2023-11-09. Review status: criteria provided, single submitter. Criteria: ACMG Guidelines, 2015. Collection method: clinical testing. Allele origin: germline.

Eurofins Ntd Llc (ga)
Classification: Uncertain significance. Last evaluated: 2016-04-05. Review status: criteria provided, single submitter. Criteria: EGL Classification Definitions 2015. Collection method: clinical testing. Allele origin: germline. Observed: 1 variant allele, 1 heterozygote.

GeneDx
Classification: Benign. Last evaluated: 2015-03-03. Review status: criteria provided, single submitter. Criteria: GeneDx Variant Classification Process June 2021. Collection method: clinical testing. Allele origin: germline. Affected: yes.

Laboratory for Molecular Medicine, Mass General Brigham Personalized Medicine
Classification: Likely benign. Last evaluated: 2012-04-30. Review status: criteria provided, single submitter. Criteria: LMM Criteria. Collection method: clinical testing. Allele origin: germline. Observed: 1 variant allele.
Comment: His2346His in Exon 37 of USH2A: This variant is not expected to have clinical si gnificance because it does not alter an amino acid residue, is not located withi n the splice consensus sequence, and has been identified in 2/7020 European Amer ican chromosomes from a broad population by the NHLBI Exome Sequencing Project (dbSNP rs145718407).

Natera, Inc.
Classification: Likely benign for Usher syndrome type 2A. Last evaluated: 2020-09-16. Review status: no assertion criteria provided. Collection method: clinical testing. Allele origin: germline. Not counted in ClinVar's aggregate classification.

NM_206933.4(USH2A):c.7038C>T (p.His2346=)

Gene: USH2A (usherin; minus strand). Cytogenetic location: 1q41.
Variant type: single nucleotide variant.
Coding change: c.7038C>T on transcript NM_206933.4 (MANE Select); coding-DNA position 7038, C replaced by T.
Protein change: p.His2346=; no amino-acid change (histidine 2346 retained).
Molecular consequence: synonymous variant.
Genome position (GRCh38, 1-based): chr1:215,965,399, G>A on the plus strand (C>T on the coding strand, the complement: USH2A is on the minus strand). VCF-style: chr1-215965399-G-A. GRCh37 (hg19) VCF-style: chr1-216138741-G-A.
Identifiers: ClinVar variation 228222 (VCV000228222.24), dbSNP rs145718407, ClinGen allele CA1394963.